The following is an entry in ClinVar:

NM_198282.4(STING1):c.1123C>T (p.Arg375Cys)

Gene: STING1 (stimulator of interferon response cGAMP interactor 1; minus strand). Cytogenetic location: 5q31.2.
Variant type: single nucleotide variant.
Coding change: c.1123C>T on transcript NM_198282.4 (MANE Select); coding-DNA position 1123, C replaced by T.
Protein change: p.Arg375Cys; replaces arginine 375 with cysteine.
Molecular consequence: missense variant. On other transcripts: 3 prime UTR variant (1).
Genome position (GRCh38, 1-based): chr5:139,476,278, G>A on the plus strand (C>T on the coding strand, the complement: STING1 is on the minus strand). VCF-style: chr5-139476278-G-A. GRCh37 (hg19) VCF-style: chr5-138855863-G-A.
Other names: c.1123C>T, p.Arg375Cys (LRG_1308t1); c.*84C>T (NM_001301738.2); c.766C>T, p.Arg256Cys (NM_001367258.1); short protein forms R375C, R256C.
Identifiers: ClinVar variation 579652 (VCV000579652.11), dbSNP rs144606267, ClinGen allele CA3435229.

ClinVar aggregate classification (germline): Uncertain significance (1 of 4 stars; one submission).

Conditions:
STING-associated vasculopathy with onset in infancy. Also called: Sting-associated vasculopathy, infantile-onset. Identifiers: Orphanet 425120, MedGen C4014722, MONDO:0014405, OMIM 615934.

Allele frequency attached by ClinVar (database versions not stated): gnomAD 0.00001; ESP Exome Variant Server 0.00031; TOPMed 0.00003; ExAC 0.00013; gnomAD exomes 0.00002.

Submission:

Labcorp Genetics (formerly Invitae), Labcorp
Classification: Uncertain significance for STING-associated vasculopathy with onset in infancy. Last evaluated: 2025-12-22. Review status: criteria provided, single submitter. Criteria: Invitae Variant Classification Sherloc (09022015). Collection method: clinical testing. Allele origin: germline.
Comment: This sequence change replaces arginine, which is basic and polar, with cysteine, which is neutral and slightly polar, at codon 375 of the TMEM173 protein (p.Arg375Cys). This variant is present in population databases (rs144606267, gnomAD 0.03%). This variant has not been reported in the literature in individuals affected with TMEM173-related conditions. ClinVar contains an entry for this variant (Variation ID: 579652). An algorithm developed to predict the effect of missense changes on protein structure and function (PolyPhen-2) suggests that this variant is likely to be disruptive. In summary, the available evidence is currently insufficient to determine the role of this variant in disease. Therefore, it has been classified as a Variant of Uncertain Significance.